The following is an entry in ClinVar:

NM_000257.4(MYH7):c.2981A>C (p.Lys994Thr)

Gene: MYH7 (myosin heavy chain 7; minus strand). Cytogenetic location: 14q11.2.
Variant type: single nucleotide variant.
Coding change: c.2981A>C on transcript NM_000257.4 (MANE Select); coding-DNA position 2981, A replaced by C.
Protein change: p.Lys994Thr; replaces lysine 994 with threonine.
Molecular consequence: missense variant.
Genome position (GRCh38, 1-based): chr14:23,423,665, T>G on the plus strand (A>C on the coding strand, the complement: MYH7 is on the minus strand). VCF-style: chr14-23423665-T-G. GRCh37 (hg19) VCF-style: chr14-23892874-T-G.
Other names: short protein forms K994T.
Identifiers: ClinVar variation 927446 (VCV000927446.5), dbSNP rs1298804415, ClinGen allele CA389046344.
Genomic context (GRCh38, chr14:23,423,665, plus strand): 5'-TCCTCGGCCTGAAGGTCATCCAGAGCCTGTTGGTGGGCCTCTTGCAGAGCTTTCTTCTCC[T>G]TGGTCAGCTTGGCAATGATCTCATCCAGCCCAGCCATCTCCTCTGTCAGGTTTTTCACCT-3'
Protein context (NP_000248.2, residues 984-1004): GLDEIIAKLT[Lys994Thr]EKKALQEAHQ

ClinVar aggregate classification (germline): Uncertain significance (1 of 4 stars; one submission).

Conditions:
Cardiomyopathy (CMYO). Also called: Cardiomyopathies. Identifiers: Orphanet 167848, MedGen C0878544, MONDO:0004994, HP:0001638. Inheritance: Various modes of inheritance.

gnomAD v4.1: 1 of 1,614,140 alleles (0.000062%); highest among the groups gnomAD compares: Non-Finnish European, 0.000085%; no homozygotes.

Submission:

Color Diagnostics, LLC DBA Color Health
Classification: Uncertain significance for Cardiomyopathy. Last evaluated: 2023-12-05. Review status: criteria provided, single submitter. Criteria: ACMG Guidelines, 2015. Collection method: clinical testing. Allele origin: germline.
Comment: Variant of Uncertain Significance due to insufficient evidence: This missense variant is located in the neck and hinge domain (S2) of the MYH7 protein. Computational prediction tools and conservation analyses suggest that this variant may have deleterious impact on the protein function. Computational splicing tools suggest that this variant may not impact RNA splicing. To our knowledge, functional assays have not been performed for this variant nor has this variant been reported in individuals affected with cardiovascular disorders in the literature. This variant is rare in the general population and has been identified in 0/277264 chromosomes by the Genome Aggregation Database (gnomAD). Available evidence is insufficient to determine the pathogenicity of this variant conclusively.